The following is an entry in ClinVar:

ClinVar aggregate classification (germline): Benign (0 of 4 stars; one submission).

Conditions:
ITIH4-related disorder. Also called: ITIH4-related condition.

Allele frequency attached by ClinVar (database versions not stated): gnomAD exomes 0.01014; ExAC 0.03294; gnomAD 0.10282; ESP Exome Variant Server 0.11625; TOPMed 0.11735; 1000 Genomes Project 0.11741; 1000 Genomes Project 30x 0.12414.
gnomAD v4.1: 31,069 of 1,613,840 alleles (1.9%); highest among the groups gnomAD compares: African/African-American, 36%; 5,169 homozygotes.

Submission:

PreventionGenetics, part of Exact Sciences
Classification: Benign for ITIH4-related condition. Last evaluated: 2019-11-06. Review status: no assertion criteria provided. Collection method: clinical testing. Allele origin: germline.
Comment: This variant is classified as benign based on ACMG/AMP sequence variant interpretation guidelines (Richards et al. 2015 PMID: 25741868, with internal and published modifications).

NM_002218.5(ITIH4):c.2372T>C (p.Leu791Pro)

Gene: ITIH4 (inter-alpha-trypsin inhibitor heavy chain 4; minus strand). Cytogenetic location: 3p21.1.
Variant type: single nucleotide variant.
Coding change: c.2372T>C on transcript NM_002218.5 (MANE Select); coding-DNA position 2372, T replaced by C.
Protein change: p.Leu791Pro; replaces leucine 791 with proline.
Molecular consequence: missense variant.
Genome position (GRCh38, 1-based): chr3:52,816,983, A>G on the plus strand (T>C on the coding strand, the complement: ITIH4 is on the minus strand). VCF-style: chr3-52816983-A-G. GRCh37 (hg19) VCF-style: chr3-52850999-A-G.
Other names: c.2282T>C, p.Leu761Pro (NM_001166449.2); short protein forms L761P, L791P.
Identifiers: ClinVar variation 3059492 (VCV003059492.2), dbSNP rs2535621, ClinGen allele CA2448988.